The following is an entry in ClinVar:

NM_005709.4(USH1C):c.1282C>T (p.Gln428Ter)

Gene: USH1C (USH1 protein network component harmonin; minus strand). Cytogenetic location: 11p15.1.
Variant type: single nucleotide variant.
Coding change: c.1282C>T on transcript NM_005709.4 (MANE Plus Clinical); coding-DNA position 1282, C replaced by T.
Protein change: p.Gln428Ter; replaces glutamine 428 with a stop codon.
Molecular consequence: nonsense. On other transcripts: intron variant (1).
Genome position (GRCh38, 1-based): chr11:17,517,403, G>A on the plus strand (C>T on the coding strand, the complement: USH1C is on the minus strand). VCF-style: chr11-17517403-G-A. GRCh37 (hg19) VCF-style: chr11-17538950-G-A.
Other names: c.1225C>T, p.Gln409Ter (NM_001297764.2); c.1211-1113C>T (NM_153676.4); short protein forms Q409*, Q428*.
Identifiers: ClinVar variation 2050742 (VCV002050742.4), dbSNP rs772148994, ClinGen allele CA5904663.
Genomic context (GRCh38, chr11:17,517,403, plus strand): 5'-GGAGGCGGGCAGGGTAAAGCAGAGCAGCCAGGCCAGGGAGCAAAGCGGGGACGCGAACCT[G>A]CTCTCCCTGCTCCTCCGTGCCTCCATCCAGGTCATCTGCGGGCTCGAGCTCAGGTTCCAC-3'

ClinVar aggregate classification (germline): Pathogenic (1 of 4 stars; one submission).

Allele frequency attached by ClinVar (database versions not stated): TOPMed below 0.00001; ExAC 0.00003.
gnomAD v4.1: 2 of 1,581,702 alleles (0.00013%); highest among the groups gnomAD compares: Non-Finnish European, 0.00017%; no homozygotes.

Submission:

Labcorp Genetics (formerly Invitae), Labcorp
Classification: Pathogenic. Last evaluated: 2023-04-26. Review status: criteria provided, single submitter. Criteria: Invitae Variant Classification Sherloc (09022015). Collection method: clinical testing. Allele origin: germline.
Comment: ClinVar contains an entry for this variant (Variation ID: 2050742). For these reasons, this variant has been classified as Pathogenic. Algorithms developed to predict the effect of sequence changes on RNA splicing suggest that this variant may disrupt the consensus splice site. This variant has not been reported in the literature in individuals affected with USH1C-related conditions. The frequency data for this variant in the population databases is considered unreliable, as metrics indicate poor data quality at this position in the gnomAD database. This sequence change creates a premature translational stop signal (p.Gln428*) in the USH1C gene. It is expected to result in an absent or disrupted protein product. Loss-of-function variants in USH1C are known to be pathogenic (PMID: 10973247, 17407589, 20301442, 21203349).

Literature cited by the submitters: PubMed 10973247; PubMed 17407589; PubMed 20301442; PubMed 21203349.